The following is an entry in ClinVar:

ClinVar aggregate classification (germline): Uncertain significance. Review status: criteria provided, multiple submitters, no conflicts (2 of 4 stars). 4 submissions from 4 submitters: Uncertain significance (4). Last evaluated 2026-08-06.

Conditions:
Methylmalonic acidemia with homocystinuria, type cblX (MAHCX). Also called: INTELLECTUAL DEVELOPMENTAL DISORDER, X-LINKED 3. Identifiers: Orphanet 369962, MedGen C0796208, MONDO:0010657, OMIM 309541.

Allele frequency attached by ClinVar (database versions not stated): gnomAD exomes below 0.00001; gnomAD 0.00001.
gnomAD v4.1: 3 of 1,192,433 alleles (0.00025%); highest among the groups gnomAD compares: Admixed American, 0.0045%; no homozygotes.

Submissions (4):

OLLIN Analises Genomicas, OLLIN
Classification: Uncertain significance. Last evaluated: 2026-08-06. Review status: criteria provided, single submitter. Criteria: ACMG Guidelines 2015 PMID 25741868. Collection method: clinical testing. Allele origin: germline.
Comment: This variant, has been reported in ClinVar (accession VCV001342401.6) and in gnomAD with an allele frequency of 0.00025%. However, to our knowledge, it has not been reported in the scientific literature. According to the currently available evidence, this variant has been classified as uncertain significance (PM2_P, BP4).

Women's Health and Genetics/Laboratory Corporation of America, LabCorp
Classification: Uncertain significance. Last evaluated: 2024-12-14. Review status: criteria provided, single submitter. Criteria: LabCorp Variant Classification Summary - May 2015. Collection method: clinical testing. Allele origin: germline.

Labcorp Genetics (formerly Invitae), Labcorp
Classification: Uncertain significance for Methylmalonic acidemia with homocystinuria, type cblX. Last evaluated: 2024-04-02. Review status: criteria provided, single submitter. Criteria: Invitae Variant Classification Sherloc (09022015). Collection method: clinical testing. Allele origin: germline.
Comment: This sequence change falls in intron 3 of the HCFC1 gene. It does not directly change the encoded amino acid sequence of the HCFC1 protein. It affects a nucleotide within the consensus splice site. This variant is not present in population databases (gnomAD no frequency). This variant has not been reported in the literature in individuals affected with HCFC1-related conditions. ClinVar contains an entry for this variant (Variation ID: 1342401). Variants that disrupt the consensus splice site are a relatively common cause of aberrant splicing (PMID: 17576681, 9536098). Algorithms developed to predict the effect of sequence changes on RNA splicing suggest that this variant is not likely to affect RNA splicing. In summary, the available evidence is currently insufficient to determine the role of this variant in disease. Therefore, it has been classified as a Variant of Uncertain Significance.

New York Genome Center
Classification: Uncertain significance for Methylmalonic acidemia with homocystinuria, type cblX. Last evaluated: 2021-03-12. Review status: criteria provided, single submitter. Criteria: NYGC Assertion Criteria 2020. Collection method: clinical testing. Allele origin: inherited. Observed: 1 hemizygote. Study: CSER-NYCKidSeq.

Literature cited by the submitters: PubMed 17576681 (cited by Labcorp Genetics (formerly Invitae), Labcorp); PubMed 9536098 (cited by Labcorp Genetics (formerly Invitae), Labcorp).

NM_005334.3(HCFC1):c.503+6G>A

Gene: HCFC1 (host cell factor C1; minus strand). Cytogenetic location: Xq28.
Variant type: single nucleotide variant.
Coding change: c.503+6G>A on transcript NM_005334.3 (MANE Select); 6 bases into the intron after coding-DNA position 503, G replaced by A.
Molecular consequence: intron variant.
Genome position (GRCh38, 1-based): chrX:153,964,118, C>T on the plus strand (G>A on the coding strand, the complement: HCFC1 is on the minus strand). VCF-style: chrX-153964118-C-T. GRCh37 (hg19) VCF-style: chrX-153229569-C-T.
Identifiers: ClinVar variation 1342401 (VCV001342401.7), dbSNP rs1048267564, ClinGen allele CA337260416.
Genomic context (GRCh38, chrX:153,964,118, plus strand): 5'-ATGGAGCCCTGTGCATGTGAGAGCACACCCACCCGGGGGGTTCCAGAGAAAAGGACCAAG[C>T]CTCACCTTGGAATGTTGTTCTTTGGGTCCTCGCTATCATTGGCCAGACCCCCAAACAGGT-3'